The following is an entry in ClinVar:

NM_005732.4(RAD50):c.3237A>C (p.Lys1079Asn)

Gene: RAD50 (RAD50 double strand break repair protein; plus strand). Cytogenetic location: 5q31.1.
Variant type: single nucleotide variant.
Coding change: c.3237A>C on transcript NM_005732.4 (MANE Select); coding-DNA position 3237, A replaced by C.
Protein change: p.Lys1079Asn; replaces lysine 1079 with asparagine.
Molecular consequence: missense variant.
Genome position (GRCh38, 1-based): chr5:132,618,142, A>C. VCF-style: chr5-132618142-A-C. GRCh37 (hg19) VCF-style: chr5-131953834-A-C.
Other names: short protein forms K1079N.
Identifiers: ClinVar variation 568608 (VCV000568608.10), dbSNP rs1561650823, ClinGen allele CA360964440.

ClinVar aggregate classification (germline): Uncertain significance. Review status: criteria provided, multiple submitters, no conflicts (2 of 4 stars). 2 submissions from 2 submitters: Uncertain significance (2). Last evaluated 2025-11-08.

Conditions:
Hereditary cancer-predisposing syndrome. Also called: Neoplastic Syndromes, Hereditary; Tumor predisposition; Hereditary neoplastic syndrome; Hereditary Cancer Syndrome. Identifiers: Orphanet 140162, MedGen C0027672, MeSH D009386, MONDO:0015356.

Submissions (2):

Ambry Genetics
Classification: Uncertain significance for Hereditary cancer-predisposing syndrome. Last evaluated: 2025-11-08. Review status: criteria provided, single submitter. Criteria: Ambry Variant Classification Scheme 2023. Collection method: clinical testing. Allele origin: germline.
Comment: The p.K1079N variant (also known as c.3237A>C), located in coding exon 21 of the RAD50 gene, results from an A to C substitution at nucleotide position 3237. The lysine at codon 1079 is replaced by asparagine, an amino acid with similar properties. This amino acid position is conserved. In addition, this alteration is predicted to be tolerated by in silico analysis. Based on the available evidence, the clinical significance of this variant remains unclear.

Labcorp Genetics (formerly Invitae), Labcorp
Classification: Uncertain significance for Hereditary cancer-predisposing syndrome. Last evaluated: 2018-05-30. Review status: criteria provided, single submitter. Criteria: Invitae Variant Classification Sherloc (09022015). Collection method: clinical testing. Allele origin: germline.
Comment: In summary, the available evidence is currently insufficient to determine the role of this variant in disease. Therefore, it has been classified as a Variant of Uncertain Significance. Algorithms developed to predict the effect of missense changes on protein structure and function (SIFT, PolyPhen-2, Align-GVGD) all suggest that this variant is likely to be tolerated, but these predictions have not been confirmed by published functional studies and their clinical significance is uncertain. This variant has not been reported in the literature in individuals with RAD50-related disease. This variant is not present in population databases (ExAC no frequency). This sequence change replaces lysine with asparagine at codon 1079 of the RAD50 protein (p.Lys1079Asn). The lysine residue is moderately conserved and there is a moderate physicochemical difference between lysine and asparagine.